The following is an entry in ClinVar:

ClinVar aggregate classification (germline): Likely pathogenic (1 of 4 stars; one submission).

Conditions:
Renal carnitine transport defect (CDSP). Also called: Carnitine transporter deficiency; Carnitine Deficiency, Systemic; Primary carnitine deficiency; Systemic primary carnitine deficiency; CARNITINE DEFICIENCY, SYSTEMIC, DUE TO DEFECT IN RENAL REABSORPTION OF CARNITINE; CARNITINE TRANSPORTER, PLASMA-MEMBRANE, DEFICIENCY OF. Identifiers: Orphanet 158, MedGen C0342788, MONDO:0008919, OMIM 212140.

Submission:

Labcorp Genetics (formerly Invitae), Labcorp
Classification: Likely pathogenic for Renal carnitine transport defect. Last evaluated: 2023-11-05. Review status: criteria provided, single submitter. Criteria: Invitae Variant Classification Sherloc (09022015). Collection method: clinical testing. Allele origin: germline.
Comment: This sequence change replaces asparagine, which is neutral and polar, with aspartic acid, which is acidic and polar, at codon 32 of the SLC22A5 protein (p.Asn32Asp). This variant is not present in population databases (gnomAD no frequency). This variant has not been reported in the literature in individuals affected with SLC22A5-related conditions. ClinVar contains an entry for this variant (Variation ID: 1516511). Advanced modeling of protein sequence and biophysical properties (such as structural, functional, and spatial information, amino acid conservation, physicochemical variation, residue mobility, and thermodynamic stability) performed at Invitae indicates that this missense variant is expected to disrupt SLC22A5 protein function with a positive predictive value of 95%. This variant disrupts the p.Asn32 amino acid residue in SLC22A5. Other variant(s) that disrupt this residue have been determined to be pathogenic (PMID: 12210323, 23653224, 23963628, 25665836). This suggests that this residue is clinically significant, and that variants that disrupt this residue are likely to be disease-causing. In summary, the currently available evidence indicates that the variant is pathogenic, but additional data are needed to prove that conclusively. Therefore, this variant has been classified as Likely Pathogenic.

Literature cited by the submitters: PubMed 12210323; PubMed 23653224; PubMed 23963628; PubMed 25665836.

NM_003060.4(SLC22A5):c.94A>G (p.Asn32Asp)

Gene: SLC22A5 (solute carrier family 22 member 5; plus strand). Cytogenetic location: 5q31.1.
Variant type: single nucleotide variant.
Coding change: c.94A>G on transcript NM_003060.4 (MANE Select); coding-DNA position 94, A replaced by G.
Protein change: p.Asn32Asp; replaces asparagine 32 with aspartic acid.
Molecular consequence: missense variant.
Genome position (GRCh38, 1-based): chr5:132,370,066, A>G. VCF-style: chr5-132370066-A-G. GRCh37 (hg19) VCF-style: chr5-131705758-A-G.
Other names: c.94A>G, p.Asn32Asp (NM_001308122.2); short protein forms N32D.
Identifiers: ClinVar variation 1516511 (VCV001516511.8), dbSNP rs727504158, ClinGen allele CA360802370.
Genomic context (GRCh38, chr5:132,370,066, plus strand): 5'-GGCGAGTGGGGGCCCTTCCAGCGCCTCATCTTCTTCCTGCTCAGCGCCAGCATCATCCCC[A>G]ATGGCTTCACCGGCCTGTCCTCCGTGTTCCTGATAGCGACCCCGGAGCACCGCTGCCGGG-3'
Protein context (NP_003051.1, residues 22-42): FFLLSASIIP[Asn32Asp]GFTGLSSVFL